The following is an entry in ClinVar:

NM_004085.4(TIMM8A):c.-11G>T

Genes: TIMM8A (translocase of inner mitochondrial membrane 8A; minus strand), LOC130068494 (ATAC-STARR-seq lymphoblastoid active region 29808; plus strand). Cytogenetic location: Xq22.1.
Variant type: single nucleotide variant.
Coding change: c.-11G>T on transcript NM_004085.4 (MANE Select); 11 bases upstream of the start codon, G replaced by T.
Molecular consequence: 5 prime UTR variant.
Genome position (GRCh38, 1-based): chrX:101,348,675, C>A on the plus strand (G>T on the coding strand, the complement: TIMM8A is on the minus strand). VCF-style: chrX-101348675-C-A. GRCh37 (hg19) VCF-style: chrX-100603663-C-A.
Other names: c.-11G>T (NM_001145951.2).
Identifiers: ClinVar variation 165400 (VCV000165400.5), dbSNP rs727503478, ClinGen allele CA178159.

ClinVar aggregate classification (germline): Likely benign. Review status: criteria provided, multiple submitters, no conflicts (2 of 4 stars). 3 submissions from 3 submitters: Likely benign (2). 1 of the submissions does not count toward it. Last evaluated 2024-09-10.

Allele frequency attached by ClinVar (database versions not stated): gnomAD below 0.00001 and 0.00013; TOPMed 0.00002; ExAC 0.00040; gnomAD exomes 0.00042; 1000 Genomes Project 0.00159; 1000 Genomes Project 30x 0.00166.
gnomAD v4.1: 239 of 1,209,182 alleles (0.02%); highest among the groups gnomAD compares: South Asian, 0.4%; no homozygotes.

Submissions (3):

Blueprint Genetics
Classification: Likely benign. Last evaluated: 2024-09-10. Review status: criteria provided, single submitter. Criteria: ACMG Guidelines, 2015. Collection method: clinical testing. Allele origin: germline.

GeneDx
Classification: Likely benign. Last evaluated: 2017-08-03. Review status: criteria provided, single submitter. Criteria: GeneDx Variant Classification (06012015). Collection method: clinical testing. Allele origin: germline. Affected: yes.
Comment: This variant is considered likely benign or benign based on one or more of the following criteria: it is a conservative change, it occurs at a poorly conserved position in the protein, it is predicted to be benign by multiple in silico algorithms, and/or has population frequency not consistent with disease.

Laboratory for Molecular Medicine, Mass General Brigham Personalized Medicine
No classification provided. Last evaluated: 2014-08-13. Review status: no classification provided. Collection method: clinical testing. Allele origin: germline. Observed: 1 variant allele. Not counted in ClinVar's aggregate classification.